The following is an entry in ClinVar:

ClinVar aggregate classification (germline): Uncertain significance. Review status: criteria provided, multiple submitters, no conflicts (2 of 4 stars). 2 submissions from 2 submitters: Uncertain significance (2). Last evaluated 2026-07-06.

Conditions:
Rhabdoid tumor predisposition syndrome 2 (RTPS2). Identifiers: Orphanet 231108, Orphanet 69077, MedGen C2750074, MONDO:0013224, OMIM 613325.
Hereditary cancer-predisposing syndrome. Also called: Tumor predisposition; Hereditary Cancer Syndrome; Hereditary neoplastic syndrome; Neoplastic Syndromes, Hereditary. Identifiers: Orphanet 140162, MedGen C0027672, MeSH D009386, MONDO:0015356.

Submissions (2):

Ambry Genetics
Classification: Uncertain significance for Hereditary cancer-predisposing syndrome. Last evaluated: 2026-07-06. Review status: criteria provided, single submitter. Criteria: Ambry Variant Classification Scheme 2023. Collection method: clinical testing. Allele origin: germline.
Comment: The p.A839T variant (also known as c.2515G>A), located in coding exon 17 of the SMARCA4 gene, results from a G to A substitution at nucleotide position 2515. The alanine at codon 839 is replaced by threonine, an amino acid with similar properties. This amino acid position is conserved. In addition, the in silico prediction for this alteration is inconclusive. Based on the available evidence, the clinical significance of this variant remains unclear.

Labcorp Genetics (formerly Invitae), Labcorp
Classification: Uncertain significance for Rhabdoid tumor predisposition syndrome 2. Last evaluated: 2020-01-16. Review status: criteria provided, single submitter. Criteria: Invitae Variant Classification Sherloc (09022015). Collection method: clinical testing. Allele origin: germline.
Comment: In summary, the available evidence is currently insufficient to determine the role of this variant in disease. Therefore, it has been classified as a Variant of Uncertain Significance. Algorithms developed to predict the effect of missense changes on protein structure and function are either unavailable or do not agree on the potential impact of this missense change (SIFT: "Deleterious"; PolyPhen-2: "Benign"; Align-GVGD: "Class C55"). This variant has not been reported in the literature in individuals with SMARCA4-related conditions. This variant is not present in population databases (ExAC no frequency). This sequence change replaces alanine with threonine at codon 839 of the SMARCA4 protein (p.Ala839Thr). The alanine residue is highly conserved and there is a small physicochemical difference between alanine and threonine.

NM_003072.5(SMARCA4):c.2515G>A (p.Ala839Thr)

Gene: SMARCA4 (SWI/SNF related BAF chromatin remodeling complex subunit ATPase 4; plus strand). Cytogenetic location: 19p13.2.
Variant type: single nucleotide variant.
Coding change: c.2515G>A on transcript NM_003072.5 (MANE Select); coding-DNA position 2515, G replaced by A.
Protein change: p.Ala839Thr; replaces alanine 839 with threonine.
Molecular consequence: missense variant. On other transcripts: non-coding transcript variant (1).
Genome position (GRCh38, 1-based): chr19:11,019,600, G>A. VCF-style: chr19-11019600-G-A. GRCh37 (hg19) VCF-style: chr19-11130276-G-A.
Other names: c.2515G>A (NM_001128849.1); c.2515G>A, p.Ala839Thr (NM_001128844.3, NM_001128845.2, NM_001128846.2 and 5 more transcripts); short protein forms A839T.
Identifiers: ClinVar variation 1056204 (VCV001056204.10), dbSNP rs2089679090, ClinGen allele CA404054201.